The following is an entry in ClinVar:

NM_001854.4(COL11A1):c.2611-12T>A

Gene: COL11A1 (collagen type XI alpha 1 chain; minus strand). Cytogenetic location: 1p21.1.
Variant type: single nucleotide variant.
Coding change: c.2611-12T>A on transcript NM_001854.4 (MANE Select); 12 bases into the intron before coding-DNA position 2611, T replaced by A.
Molecular consequence: intron variant.
Genome position (GRCh38, 1-based): chr1:102,979,116, A>T on the plus strand (T>A on the coding strand, the complement: COL11A1 is on the minus strand). VCF-style: chr1-102979116-A-T. GRCh37 (hg19) VCF-style: chr1-103444672-A-T.
Other names: c.2494-12T>A (NM_001190709.2); c.2647-12T>A (NM_080629.3); c.2263-12T>A (NM_080630.4).
Identifiers: ClinVar variation 2769105 (VCV002769105.3), dbSNP rs1277515282, ClinGen allele CA2697552578.

ClinVar aggregate classification (germline): Uncertain significance (1 of 4 stars; one submission).

Submission:

Labcorp Genetics (formerly Invitae), Labcorp
Classification: Uncertain significance. Last evaluated: 2024-09-28. Review status: criteria provided, single submitter. Criteria: Invitae Variant Classification Sherloc (09022015). Collection method: clinical testing. Allele origin: germline.
Comment: This sequence change falls in intron 32 of the COL11A1 gene. It does not directly change the encoded amino acid sequence of the COL11A1 protein. This variant is not present in population databases (gnomAD no frequency). This variant has not been reported in the literature in individuals affected with COL11A1-related conditions. Algorithms developed to predict the effect of sequence changes on RNA splicing suggest that this variant may disrupt the consensus splice site. In summary, the available evidence is currently insufficient to determine the role of this variant in disease. Therefore, it has been classified as a Variant of Uncertain Significance.